The following is an entry in ClinVar:

NM_007327.4(GRIN1):c.1179G>A (p.Gln393=)

Gene: GRIN1 (glutamate ionotropic receptor NMDA type subunit 1; plus strand). Cytogenetic location: 9q34.3.
Variant type: single nucleotide variant.
Coding change: c.1179G>A on transcript NM_007327.4 (MANE Select); coding-DNA position 1179, G replaced by A.
Protein change: p.Gln393=; no amino-acid change (glutamine 393 retained).
Molecular consequence: synonymous variant.
Genome position (GRCh38, 1-based): chr9:137,158,686, G>A. VCF-style: chr9-137158686-G-A. GRCh37 (hg19) VCF-style: chr9-140053138-G-A.
Other names: c.1179G>A, p.Gln393= (NM_000832.7, NM_021569.4); c.1242G>A, p.Gln414= (NM_001185090.2, NM_001185091.2).
Identifiers: ClinVar variation 388513 (VCV000388513.9), dbSNP rs769342069, ClinGen allele CA5360847.

ClinVar aggregate classification (germline): Likely benign. Review status: criteria provided, multiple submitters, no conflicts (2 of 4 stars). 2 submissions from 2 submitters: Likely benign (2). Last evaluated 2025-12-09.

Conditions:
Neurodevelopmental disorder with or without hyperkinetic movements and seizures, autosomal dominant. Also called: Intellectual disability, autosomal dominant 8. Identifiers: MedGen C3280282, MONDO:0013655, OMIM 614254.

Allele frequency attached by ClinVar (database versions not stated): gnomAD exomes below 0.00001 and 0.00001; ExAC 0.00001; gnomAD 0.00003 and 0.00004; TOPMed 0.00005.
gnomAD v4.1: 8 of 1,612,638 alleles (0.0005%); highest among the groups gnomAD compares: African/African-American, 0.0067%; no homozygotes.

Submissions (2):

Labcorp Genetics (formerly Invitae), Labcorp
Classification: Likely benign for Neurodevelopmental disorder with or without hyperkinetic movements and seizures, autosomal dominant. Last evaluated: 2025-12-09. Review status: criteria provided, single submitter. Criteria: Invitae Variant Classification Sherloc (09022015). Collection method: clinical testing. Allele origin: germline.

GeneDx
Classification: Likely benign. Last evaluated: 2016-08-11. Review status: criteria provided, single submitter. Criteria: GeneDx Variant Classification (06012015). Collection method: clinical testing. Allele origin: germline. Affected: yes.
Comment: This variant is considered likely benign or benign based on one or more of the following criteria: it is a conservative change, it occurs at a poorly conserved position in the protein, it is predicted to be benign by multiple in silico algorithms, and/or has population frequency not consistent with disease.